The following is an entry in ClinVar:

GRCh37/hg19 15q11.2-12(chr15:23645351-26213498)x1

Genes: ATP10A (ATPase phospholipid transporting 10A (putative); minus strand), GOLGA6L2 (golgin A6 family like 2; minus strand), IPW (imprinted in Prader-Willi syndrome; plus strand), MAGEL2 (MAGE family member L2; minus strand), MKRN3 (makorin ring finger protein 3; plus strand) and 14 more. Cytogenetic location: 15q11.2-12.
Variant type: copy number loss.
Change: copy number 1 (one copy instead of two) of chr15:23,645,351-26,213,498 (2.57 Mb, GRCh37 coordinates, 1-based), cytogenetic band 15q11.2-12.
Identifiers: ClinVar variation 4682865 (VCV004682865.1).

ClinVar aggregate classification (germline): Pathogenic (1 of 4 stars; one submission).

Submission:

Quest Diagnostics Nichols Institute San Juan Capistrano
Classification: Pathogenic. Last evaluated: 2024-10-04. Review status: criteria provided, single submitter. Criteria: ACMG/ClinGen CNV Guidelines, 2019. Collection method: clinical testing. Allele origin: unknown.
Comment: This 15q11.2q12 deletion falls within the larger recurrent deletion interval associated with Angelman (AS; OMIM 105830) or Prader-Willi (PWS; OMIM 176270) syndromes, depending on the parent of origin for the deleted segment. While the current interval is atypical in size, it fully contains UBE3A, haploinsufficiency of which is associated with AS (CCID:008077, Dagli 2021), as well as all of the Prader-Willi critical region (PWCR; Driscoll 2023). Of note, heterozygous deletions within the current interval have been reported in individuals with either some or all of the typical features of PWS (De La Vega 2021, Henkhaus 2012, Kim 2012, Meader 2020, Zhang 2021). There are no similar copy number losses of this region in the general populations of the Database of Genomic Variants. Therefore, based on gene content and current medical literature, this copy number variant (CNV) is classified as pathogenic. References: Dagli et al. Angelman Syndrome. GeneReviews [updated 2021 Apr 22]. PMID 20301323 De La Vega et al., Genome Med. 2021 Oct 14;13(1):153. PMID: 34645491 Driscoll et al. Prader-Willi Syndrome. GeneReviews [updated 2023 Nov 2]. PMID 20301505 Henkhaus et al., Genet Test Mol Biomarkers. 2012 Mar;16(3):178-86. PMID: 21977908 Kim et al., Eur J Hum Genet. 2012 Mar;20(3):283-90. PMID: 22045295 Meader et al., J Clin Endocrinol Metab. 2020 Aug 1;105(8):2732-2739. PMID: 32480405 Zhang et al., Front Genet. 2021 Aug 24:12:630650. PMID: 34504512